The following is an entry in ClinVar:

NM_002556.3(OSBP):c.-14GGC[3]

Genes: OSBP (oxysterol binding protein; minus strand), LOC130005753 (ATAC-STARR-seq lymphoblastoid silent region 3367; plus strand). Cytogenetic location: 11q12.1.
Variant type: Microsatellite.
Coding change: c.-14GGC[3] on transcript NM_002556.3 (MANE Select); three copies in a row of the 3-base unit GGC starting at c.-14; the reference has four copies in a row; one copy, 3 bases deleted.
Molecular consequence: 5 prime UTR variant.
Genome position (GRCh38, 1-based): chr11:59,615,667-59,615,669, GCC deleted on the plus strand (GGC on the coding strand, the reverse complement: OSBP is on the minus strand); deleting any 3 consecutive bases within chr11:59,615,667-59,615,678 gives the same sequence; the position shown is the placement nearest the transcript's 3' end. VCF-style (leftmost placement, unchanged base first): chr11-59615666-AGCC-A. GRCh37 (hg19) VCF-style: chr11-59383139-AGCC-A.
Identifiers: ClinVar variation 3037925 (VCV003037925.2), dbSNP rs1424065330, ClinGen allele CA599807878.

ClinVar aggregate classification (germline): Likely benign (0 of 4 stars; one submission).

Conditions:
OSBP-related disorder. Also called: OSBP-related condition.

Submission:

PreventionGenetics, part of Exact Sciences
Classification: Likely benign for OSBP-related condition. Last evaluated: 2019-04-29. Review status: no assertion criteria provided. Collection method: clinical testing. Allele origin: germline.
Comment: This variant is classified as likely benign based on ACMG/AMP sequence variant interpretation guidelines (Richards et al. 2015 PMID: 25741868, with internal and published modifications).